The following is an entry in ClinVar:

NM_020366.4(RPGRIP1):c.86-1G>A

Gene: RPGRIP1 (RPGR interacting protein 1; plus strand). Cytogenetic location: 14q11.2.
Variant type: single nucleotide variant.
Coding change: c.86-1G>A on transcript NM_020366.4 (MANE Select); the canonical splice acceptor site of the intron before coding-DNA position 86, G replaced by A.
Molecular consequence: splice acceptor variant.
Genome position (GRCh38, 1-based): chr14:21,294,676, G>A. VCF-style: chr14-21294676-G-A. GRCh37 (hg19) VCF-style: chr14-21762835-G-A.
Identifiers: ClinVar variation 1471351 (VCV001471351.7), dbSNP rs200968268, ClinGen allele CA7088562.

ClinVar aggregate classification (germline): Likely pathogenic. Review status: criteria provided, multiple submitters, no conflicts (2 of 4 stars). 2 submissions from 2 submitters: Likely pathogenic (2). Last evaluated 2024-11-15.

Conditions:
Leber congenital amaurosis 6 (LCA6). Identifiers: Orphanet 65, MedGen C1854260, MONDO:0013446, OMIM 613826.
Cone-rod dystrophy 13 (CORD13). Identifiers: Orphanet 1872, MedGen C2750720, MONDO:0011987, OMIM 608194.
RPGRIP1-related disorder. Also called: RPGRIP1-related condition.

Allele frequency attached by ClinVar (database versions not stated): gnomAD exomes below 0.00001 and 0.00001; TOPMed below 0.00001; gnomAD 0.00001; ExAC 0.00002.
gnomAD v4.1: 3 of 1,612,828 alleles (0.00019%); highest among the groups gnomAD compares: Non-Finnish European, 0.00025%; no homozygotes.

Submissions (2):

Blueprint Genetics
Classification: Likely pathogenic for RPGRIP1-related disorders. Last evaluated: 2024-11-15. Review status: criteria provided, single submitter. Criteria: ACMG Guidelines, 2015. Collection method: clinical testing. Allele origin: germline. Affected: yes. Observed: 5 variant alleles.

Labcorp Genetics (formerly Invitae), Labcorp
Classification: Likely pathogenic for Leber congenital amaurosis 6; Cone-rod dystrophy 13. Last evaluated: 2022-05-29. Review status: criteria provided, single submitter. Criteria: Invitae Variant Classification Sherloc (09022015). Collection method: clinical testing. Allele origin: germline.
Comment: In summary, the currently available evidence indicates that the variant is pathogenic, but additional data are needed to prove that conclusively. Therefore, this variant has been classified as Likely Pathogenic. Algorithms developed to predict the effect of sequence changes on RNA splicing suggest that this variant may disrupt the consensus splice site. ClinVar contains an entry for this variant (Variation ID: 1471351). Disruption of this splice site has been observed in individual(s) with clinical features of Leber congenital amaurosis (PMID: 29754767). This variant is present in population databases (rs200968268, gnomAD 0.002%). This sequence change affects an acceptor splice site in intron 1 of the RPGRIP1 gene. It is expected to disrupt RNA splicing. Variants that disrupt the donor or acceptor splice site typically lead to a loss of protein function (PMID: 16199547), and loss-of-function variants in RPGRIP1 are known to be pathogenic (PMID: 11528500, 23105016).

Literature cited by the submitters: PubMed 29754767 (cited by Labcorp Genetics (formerly Invitae), Labcorp); PubMed 16199547 (cited by Labcorp Genetics (formerly Invitae), Labcorp); PubMed 11528500 (cited by Labcorp Genetics (formerly Invitae), Labcorp); PubMed 23105016 (cited by Labcorp Genetics (formerly Invitae), Labcorp).